The following is an entry in ClinVar:

ClinVar aggregate classification (germline): Likely benign. Review status: criteria provided, single submitter (1 of 4 stars). 2 submissions from 2 submitters: Likely benign (1). 1 of the submissions does not count toward it. Last evaluated 2026-02-02.

Conditions:
COL4A1-related disorder. Also called: COL4A1-related disorders; COL4A1-related condition. Identifiers: MedGen CN376119, MONDO:0800461.

Allele frequency attached by ClinVar (database versions not stated): gnomAD 0.00001; TOPMed 0.00001.
gnomAD v4.1: 34 of 1,613,932 alleles (0.0021%); highest among the groups gnomAD compares: Middle Eastern, 0.016%; no homozygotes.

Submissions (2):

Labcorp Genetics (formerly Invitae), Labcorp
Classification: Likely benign. Last evaluated: 2026-02-02. Review status: criteria provided, single submitter. Criteria: Invitae Variant Classification Sherloc (09022015). Collection method: clinical testing. Allele origin: germline.

PreventionGenetics, part of Exact Sciences
Classification: Likely benign for COL4A1-related condition. Last evaluated: 2022-07-01. Review status: no assertion criteria provided. Collection method: clinical testing. Allele origin: germline. Not counted in ClinVar's aggregate classification.
Comment: This variant is classified as likely benign based on ACMG/AMP sequence variant interpretation guidelines (Richards et al. 2015 PMID: 25741868, with internal and published modifications).

NM_001845.6(COL4A1):c.822C>T (p.Val274=)

Gene: COL4A1 (collagen type IV alpha 1 chain; minus strand). Cytogenetic location: 13q34.
Variant type: single nucleotide variant.
Coding change: c.822C>T on transcript NM_001845.6 (MANE Select); coding-DNA position 822, C replaced by T.
Protein change: p.Val274=; no amino-acid change (valine 274 retained).
Molecular consequence: synonymous variant.
Genome position (GRCh38, 1-based): chr13:110,206,701, G>A on the plus strand (C>T on the coding strand, the complement: COL4A1 is on the minus strand). VCF-style: chr13-110206701-G-A. GRCh37 (hg19) VCF-style: chr13-110859048-G-A.
Other names: c.822C>T, p.Val274= (NM_001303110.2); c.822C>T (NM_001845.5).
Identifiers: ClinVar variation 2153385 (VCV002153385.6), dbSNP rs748356460, ClinGen allele CA7048296.